The following is an entry in ClinVar:

ClinVar aggregate classification (germline): Uncertain significance. Review status: criteria provided, multiple submitters, no conflicts (2 of 4 stars). 2 submissions from 2 submitters: Uncertain significance (2). Last evaluated 2024-03-25.

Conditions:
Noonan syndrome 9 (NS9). Identifiers: Orphanet 648, MedGen C4225282, MONDO:0014691, OMIM 616559.

Submissions (2):

Women's Health and Genetics/Laboratory Corporation of America, LabCorp
Classification: Uncertain significance. Last evaluated: 2024-03-25. Review status: criteria provided, single submitter. Criteria: LabCorp Variant Classification Summary - May 2015. Collection method: clinical testing. Allele origin: germline.
Comment: Variant summary: SOS2 c.3379+4_3379+7delAGTA alters a non-conserved nucleotide located close to a canonical splice site and therefore could affect mRNA splicing, leading to a significantly altered protein sequence. Several computational tools predict a significant impact on normal splicing: Three predict the variant abolishes a canonical 5' splicing donor site. However, these predictions have yet to be confirmed by functional studies. The variant was absent in 243114 control chromosomes (gnomAD). The available data on variant occurrences in the general population are insufficient to allow any conclusion about variant significance. To our knowledge, no occurrence of c.3379+4_3379+7delAGTA in individuals affected with Noonan Syndrome and no experimental evidence demonstrating its impact on protein function have been reported. ClinVar contains an entry for this variant (Variation ID: 1411199). Based on the evidence outlined above, the variant was classified as uncertain significance.

Labcorp Genetics (formerly Invitae), Labcorp
Classification: Uncertain significance for Noonan syndrome 9. Last evaluated: 2022-11-14. Review status: criteria provided, single submitter. Criteria: Invitae Variant Classification Sherloc (09022015). Collection method: clinical testing. Allele origin: germline.
Comment: This sequence change falls in intron 21 of the SOS2 gene. It does not directly change the encoded amino acid sequence of the SOS2 protein. It affects a nucleotide within the consensus splice site. In summary, the available evidence is currently insufficient to determine the role of this variant in disease. Therefore, it has been classified as a Variant of Uncertain Significance. Variants that disrupt the consensus splice site are a relatively common cause of aberrant splicing (PMID: 17576681, 9536098). Algorithms developed to predict the effect of sequence changes on RNA splicing suggest that this variant may disrupt the consensus splice site. This variant has not been reported in the literature in individuals affected with SOS2-related conditions. This variant is not present in population databases (gnomAD no frequency).

Literature cited by the submitters: PubMed 17576681 (cited by Labcorp Genetics (formerly Invitae), Labcorp); PubMed 9536098 (cited by Labcorp Genetics (formerly Invitae), Labcorp).

NM_006939.4(SOS2):c.3379+4_3379+7del

Gene: SOS2 (SOS Ras/Rho guanine nucleotide exchange factor 2; minus strand). Cytogenetic location: 14q21.3.
Variant type: Microsatellite.
Coding change: c.3379+4_3379+7del on transcript NM_006939.4 (MANE Select); bases 4 to 7 of the intron after coding-DNA position 3379, 4 bases deleted (AGTA; older notation c.3379+4_3379+7delAGTA).
Molecular consequence: splice donor variant.
Genome position (GRCh38, 1-based): chr14:50,129,954-50,129,957, TACT deleted on the plus strand (AGTA on the coding strand, the reverse complement: SOS2 is on the minus strand); deleting any 4 consecutive bases within chr14:50,129,954-50,129,962 gives the same sequence; the c. name uses the placement nearest the transcript's 3' end. VCF-style (leftmost placement, unchanged base first): chr14-50129953-ATACT-A. GRCh37 (hg19) VCF-style: chr14-50596671-ATACT-A.
Other names: c.3379+4_3379+7delAGTA (NM_006939.4).
Identifiers: ClinVar variation 1411199 (VCV001411199.8), dbSNP rs2139510043, ClinGen allele CA2580616603.